The following is an entry in ClinVar:

NM_024685.4(BBS10):c.967G>T (p.Ala323Ser)

Gene: BBS10 (Bardet-Biedl syndrome 10; minus strand). Cytogenetic location: 12q21.2.
Variant type: single nucleotide variant.
Coding change: c.967G>T on transcript NM_024685.4 (MANE Select); coding-DNA position 967, G replaced by T.
Protein change: p.Ala323Ser; replaces alanine 323 with serine.
Molecular consequence: missense variant.
Genome position (GRCh38, 1-based): chr12:76,347,018, C>A on the plus strand (G>T on the coding strand, the complement: BBS10 is on the minus strand). VCF-style: chr12-76347018-C-A. GRCh37 (hg19) VCF-style: chr12-76740798-C-A.
Other names: short protein forms A323S.
Identifiers: ClinVar variation 1994914 (VCV001994914.4), dbSNP rs2540956289, ClinGen allele CA385813355.
Genomic context (GRCh38, chr12:76,347,018, plus strand): 5'-GGATAAGAGAAACTTCTTCTGATGATAAACACTCAACCACTGATATGCCATTCACCCCTG[C>A]ATAATAACTAACTAAATCTGGTTGTTTCACACTAGATATGAGCAATTTTACATTCTGACT-3'
Protein context (NP_078961.3, residues 313-333): VKQPDLVSYY[Ala323Ser]GVNGISVVEC

ClinVar aggregate classification (germline): Uncertain significance (1 of 4 stars; one submission).

Conditions:
Bardet-Biedl syndrome (BBS). Identifiers: Orphanet 110, MedGen C0752166, MONDO:0015229.

Submission:

Labcorp Genetics (formerly Invitae), Labcorp
Classification: Uncertain significance for Bardet-Biedl syndrome. Last evaluated: 2022-09-06. Review status: criteria provided, single submitter. Criteria: Invitae Variant Classification Sherloc (09022015). Collection method: clinical testing. Allele origin: germline.
Comment: This sequence change replaces alanine, which is neutral and non-polar, with serine, which is neutral and polar, at codon 323 of the BBS10 protein (p.Ala323Ser). In summary, the available evidence is currently insufficient to determine the role of this variant in disease. Therefore, it has been classified as a Variant of Uncertain Significance. This variant disrupts the p.Ala323 amino acid residue in BBS10. Other variant(s) that disrupt this residue have been observed in individuals with BBS10-related conditions (PMID: 21642631), which suggests that this may be a clinically significant amino acid residue. Algorithms developed to predict the effect of missense changes on protein structure and function output the following: SIFT: "Tolerated"; PolyPhen-2: "Possibly Damaging"; Align-GVGD: "Class C0". The serine amino acid residue is found in multiple mammalian species, which suggests that this missense change does not adversely affect protein function. This missense change has been observed in individual(s) with clinical features of BBS10-related conditions (Invitae). In at least one individual the data is consistent with being in trans (on the opposite chromosome) from a pathogenic variant. This variant is not present in population databases (gnomAD no frequency).

Literature cited by the submitters: PubMed 21642631.